The following is an entry in ClinVar:

NM_003805.5(CRADD):c.429G>A (p.Thr143=)

Gene: CRADD (CARD and death domain containing adaptor protein; plus strand). Cytogenetic location: 12q22.
Variant type: single nucleotide variant.
Coding change: c.429G>A on transcript NM_003805.5 (MANE Select); coding-DNA position 429, G replaced by A.
Protein change: p.Thr143=; no amino-acid change (threonine 143 retained).
Molecular consequence: synonymous variant. On other transcripts: intron variant (1).
Genome position (GRCh38, 1-based): chr12:93,850,100, G>A. VCF-style: chr12-93850100-G-A. GRCh37 (hg19) VCF-style: chr12-94243876-G-A.
Other names: c.429G>A, p.Thr143= (NM_001320099.2); c.299-43950G>A (NM_001320100.2).
Identifiers: ClinVar variation 723082 (VCV000723082.15), dbSNP rs200632197, ClinGen allele CA6720221.

ClinVar aggregate classification (germline): Likely benign. Review status: criteria provided, multiple submitters, no conflicts (2 of 4 stars). 3 submissions from 3 submitters: Likely benign (2). 1 of the submissions does not count toward it. Last evaluated 2026-02-01.

Conditions:
CRADD-related disorder. Also called: CRADD-related condition.

Allele frequency attached by ClinVar (database versions not stated): gnomAD 0.00008 and 0.00009; TOPMed 0.00015; 1000 Genomes Project 30x 0.00031; 1000 Genomes Project 0.00040.
gnomAD v4.1: 77 of 1,613,860 alleles (0.0048%); highest among the groups gnomAD compares: Admixed American, 0.067%; no homozygotes.

Submissions (3):

CeGaT Center for Human Genetics Tuebingen
Classification: Likely benign. Last evaluated: 2026-02-01. Review status: criteria provided, single submitter. Criteria: CeGaT Center For Human Genetics Tuebingen Variant Classification Criteria Version 2. Collection method: clinical testing. Allele origin: germline. Affected: yes. Observed: 2 variant alleles.
Comment: CRADD: BP4, BP7

Labcorp Genetics (formerly Invitae), Labcorp
Classification: Likely benign. Last evaluated: 2026-01-12. Review status: criteria provided, single submitter. Criteria: Invitae Variant Classification Sherloc (09022015). Collection method: clinical testing. Allele origin: germline.

PreventionGenetics, part of Exact Sciences
Classification: Likely benign for CRADD-related condition. Last evaluated: 2019-04-16. Review status: no assertion criteria provided. Collection method: clinical testing. Allele origin: germline. Not counted in ClinVar's aggregate classification.
Comment: This variant is classified as likely benign based on ACMG/AMP sequence variant interpretation guidelines (Richards et al. 2015 PMID: 25741868, with internal and published modifications).